The following is an entry in ClinVar:

ClinVar aggregate classification (germline): Likely benign. Review status: criteria provided, multiple submitters, no conflicts (2 of 4 stars). 3 submissions from 3 submitters: Likely benign (3). Last evaluated 2025-01-22.

Conditions:
Cardiovascular phenotype. Identifiers: MedGen CN230736.
Arrhythmogenic right ventricular cardiomyopathy (ARVD). Also called: Arrhythmogenic cardiomyopathy; Arrhythmogenic Right Ventricular Cardiomyopathy (ARVC); Cardiomyopathy, ARVC; Arrhythmogenic right ventricular dysplasia. Identifiers: Orphanet 247, MedGen C0349788, MeSH D019571, MONDO:0016587. Disease mechanism: loss of function. Inheritance: Various modes of inheritance.
Arrhythmogenic right ventricular dysplasia 9 (ARVD9). Also called: Arrhythmogenic Right Ventricular Dysplasia/Cardiomyopathy 9; ARRHYTHMOGENIC RIGHT VENTRICULAR DYSPLASIA, FAMILIAL, 9. Identifiers: MedGen C1836906, MONDO:0012180, OMIM 609040.

Submissions (3):

Labcorp Genetics (formerly Invitae), Labcorp
Classification: Likely benign for Arrhythmogenic right ventricular dysplasia 9. Last evaluated: 2025-01-22. Review status: criteria provided, single submitter. Criteria: Invitae Variant Classification Sherloc (09022015). Collection method: clinical testing. Allele origin: germline.

Ambry Genetics
Classification: Likely benign for Cardiovascular phenotype. Last evaluated: 2024-11-06. Review status: criteria provided, single submitter. Criteria: Ambry Variant Classification Scheme 2023. Collection method: clinical testing. Allele origin: germline.

All of Us Research Program, National Institutes of Health
Classification: Likely benign for Arrhythmogenic right ventricular cardiomyopathy. Last evaluated: 2024-06-11. Review status: criteria provided, single submitter. Criteria: ACMG Guidelines, 2015. Collection method: clinical testing. Allele origin: germline. Inheritance: Autosomal dominant inheritance. Observed: 3 variant alleles, 3 heterozygotes.
Comment: This study involves interpretation of variants in research participants for the purpose of population health screening. Participant phenotype was not available at the time of variant classification. Additional details can be found in publication PMID: 35346344, PMCID: PMC8962531

NM_001005242.3(PKP2):c.45C>A (p.Thr15=)

Gene: PKP2 (plakophilin 2; minus strand). Cytogenetic location: 12p11.21.
Variant type: single nucleotide variant.
Coding change: c.45C>A on transcript NM_001005242.3 (MANE Select); coding-DNA position 45, C replaced by A.
Protein change: p.Thr15=; no amino-acid change (threonine 15 retained).
Molecular consequence: synonymous variant.
Genome position (GRCh38, 1-based): chr12:32,896,687, G>T on the plus strand (C>A on the coding strand, the complement: PKP2 is on the minus strand). VCF-style: chr12-32896687-G-T. GRCh37 (hg19) VCF-style: chr12-33049621-G-T.
Other names: c.45C>A, p.Thr15= (NM_004572.4).
Identifiers: ClinVar variation 533031 (VCV000533031.10), dbSNP rs759214983, ClinGen allele CA235280805.